The following is an entry in ClinVar:

NM_000942.5(PPIB):c.63C>A (p.Ser21=)

Gene: PPIB (peptidylprolyl isomerase B; minus strand). Cytogenetic location: 15q22.31.
Variant type: single nucleotide variant.
Coding change: c.63C>A on transcript NM_000942.5 (MANE Select); coding-DNA position 63, C replaced by A.
Protein change: p.Ser21=; no amino-acid change (serine 21 retained).
Molecular consequence: synonymous variant.
Genome position (GRCh38, 1-based): chr15:64,162,924, G>T on the plus strand (C>A on the coding strand, the complement: PPIB is on the minus strand). VCF-style: chr15-64162924-G-T. GRCh37 (hg19) VCF-style: chr15-64455123-G-T.
Other names: p.Ser21=.
Identifiers: ClinVar variation 31849 (VCV000031849.17), dbSNP rs4904, ClinGen allele CA215405.

ClinVar aggregate classification (germline): Benign. Review status: criteria provided, multiple submitters, no conflicts (2 of 4 stars). 7 submissions from 7 submitters: Benign (6). 1 of the submissions does not count toward it. Last evaluated 2026-02-04.

Conditions:
Osteogenesis imperfecta type 9 (OI9). Also called: Oi type IX; OI 9; Osteogenesis imperfecta sillence type II/III without abnormality of type I collagen. Identifiers: MedGen C1850169, MONDO:0009805, OMIM 259440.

Allele frequency attached by ClinVar (database versions not stated): ESP Exome Variant Server 0.02015; gnomAD exomes 0.02739; gnomAD 0.03210; TOPMed 0.03518; 1000 Genomes Project 0.04852; 1000 Genomes Project 30x 0.05278.
gnomAD v4.1: 45,375 of 1,613,344 alleles (2.8%); highest among the groups gnomAD compares: Admixed American, 19%; 1,655 homozygotes.

Submissions 1 to 29 of 59:

Labcorp Genetics (formerly Invitae), Labcorp
Classification: Benign. Last evaluated: 2026-02-04. Review status: criteria provided, single submitter. Criteria: Invitae Variant Classification Sherloc (09022015). Collection method: clinical testing. Allele origin: germline.

Blueprint Genetics
Classification: Benign. Last evaluated: 2024-11-27. Review status: criteria provided, single submitter. Criteria: ACMG Guidelines, 2015. Collection method: clinical testing. Allele origin: germline.

Mayo Clinic Laboratories, Mayo Clinic
Classification: Benign. Last evaluated: 2022-04-26. Review status: criteria provided, single submitter. Criteria: ACMG Guidelines, 2015. Collection method: clinical testing. Allele origin: germline. Observed: 8 variant alleles.

Illumina Laboratory Services, Illumina
Classification: Benign for Osteogenesis imperfecta type 9. Last evaluated: 2018-01-12. Review status: criteria provided, single submitter. Criteria: ICSL Variant Classification Criteria 13 December 2019. Collection method: clinical testing. Allele origin: germline.
Comment: This variant was observed in the ICSL laboratory as part of a predisposition screen in an ostensibly healthy population. It had not been previously curated by ICSL or reported in the Human Gene Mutation Database (HGMD: prior to June 1st, 2018), and was therefore a candidate for classification through an automated scoring system. Utilizing variant allele frequency, disease prevalence and penetrance estimates, and inheritance mode, an automated score was calculated to assess if this variant is too frequent to cause the disease. Based on the score and internal cut-off values, a variant classified as benign is not then subjected to further curation. The score for this variant resulted in a classification of benign for this disease.

GeneDx
Classification: Benign. Last evaluated: 2016-05-09. Review status: criteria provided, single submitter. Criteria: GeneDx Variant Classification (06012015). Collection method: clinical testing. Allele origin: germline. Affected: yes.
Comment: This variant is considered likely benign or benign based on one or more of the following criteria: it is a conservative change, it occurs at a poorly conserved position in the protein, it is predicted to be benign by multiple in silico algorithms, and/or has population frequency not consistent with disease.

Breakthrough Genomics
Classification: Benign. Review status: criteria provided, single submitter. Criteria: ACMG Guidelines, 2015. Collection method: not provided. Allele origin: germline. Inheritance: Autosomal recessive inheritance. Affected: yes.

Osteogenesis Imperfecta Variant Database (PPIB)
No classification provided. Last evaluated: 2011-02-17. Review status: no classification provided. Collection method: curation. Allele origin: unknown. Not counted in ClinVar's aggregate classification.

Dr. Peter K. Rogan Lab, Western University
No classification provided (evidence only). Condition: Clear cell carcinoma of kidney. Review status: no classification provided. Collection method: in vitro. Allele origin: not applicable. Functional consequence: cryptic splice site, retained intron. Not counted in ClinVar's aggregate classification.

Dr. Peter K. Rogan Lab, Western University
No classification provided (evidence only). Condition: Clear cell carcinoma of kidney. Review status: no classification provided. Collection method: in vitro. Allele origin: not applicable. Functional consequence: retained intron. Not counted in ClinVar's aggregate classification.

Dr. Peter K. Rogan Lab, Western University
No classification provided (evidence only). Condition: Clear cell carcinoma of kidney. Review status: no classification provided. Collection method: in vitro. Allele origin: not applicable. Functional consequence: cryptic splice site, retained intron. Not counted in ClinVar's aggregate classification.

Dr. Peter K. Rogan Lab, Western University
No classification provided (evidence only). Condition: Clear cell carcinoma of kidney. Review status: no classification provided. Collection method: in vitro. Allele origin: not applicable. Functional consequence: cryptic splice site, retained intron. Not counted in ClinVar's aggregate classification.

Dr. Peter K. Rogan Lab, Western University
No classification provided (evidence only). Condition: Lung cancer. Review status: no classification provided. Collection method: in vitro. Allele origin: not applicable. Functional consequence: retained intron. Not counted in ClinVar's aggregate classification.

Dr. Peter K. Rogan Lab, Western University
No classification provided (evidence only). Condition: Lung cancer. Review status: no classification provided. Collection method: in vitro. Allele origin: not applicable. Functional consequence: cryptic splice site, retained intron. Not counted in ClinVar's aggregate classification.

Dr. Peter K. Rogan Lab, Western University
No classification provided (evidence only). Condition: Lung cancer. Review status: no classification provided. Collection method: in vitro. Allele origin: not applicable. Functional consequence: cryptic splice site. Not counted in ClinVar's aggregate classification.

Dr. Peter K. Rogan Lab, Western University
No classification provided (evidence only). Condition: Lung cancer. Review status: no classification provided. Collection method: in vitro. Allele origin: not applicable. Functional consequence: cryptic splice site. Not counted in ClinVar's aggregate classification.

Dr. Peter K. Rogan Lab, Western University
No classification provided (evidence only). Condition: Melanoma. Review status: no classification provided. Collection method: in vitro. Allele origin: not applicable. Functional consequence: cryptic splice site. Not counted in ClinVar's aggregate classification.

Dr. Peter K. Rogan Lab, Western University
No classification provided (evidence only). Condition: Melanoma. Review status: no classification provided. Collection method: in vitro. Allele origin: not applicable. Functional consequence: cryptic splice site. Not counted in ClinVar's aggregate classification.

Dr. Peter K. Rogan Lab, Western University
No classification provided (evidence only). Condition: Colon adenocarcinoma. Review status: no classification provided. Collection method: in vitro. Allele origin: not applicable. Functional consequence: cryptic splice site. Not counted in ClinVar's aggregate classification.

Dr. Peter K. Rogan Lab, Western University
No classification provided (evidence only). Condition: Colon adenocarcinoma. Review status: no classification provided. Collection method: in vitro. Allele origin: not applicable. Functional consequence: cryptic splice site. Not counted in ClinVar's aggregate classification.

Dr. Peter K. Rogan Lab, Western University
No classification provided (evidence only). Condition: Colon adenocarcinoma. Review status: no classification provided. Collection method: in vitro. Allele origin: not applicable. Functional consequence: cryptic splice site. Not counted in ClinVar's aggregate classification.

Dr. Peter K. Rogan Lab, Western University
No classification provided (evidence only). Condition: Colorectal cancer. Review status: no classification provided. Collection method: in vitro. Allele origin: not applicable. Functional consequence: retained intron. Not counted in ClinVar's aggregate classification.

Dr. Peter K. Rogan Lab, Western University
No classification provided (evidence only). Condition: Thyroid cancer, nonmedullary, 1. Review status: no classification provided. Collection method: in vitro. Allele origin: not applicable. Functional consequence: cryptic splice site. Not counted in ClinVar's aggregate classification.

Dr. Peter K. Rogan Lab, Western University
No classification provided (evidence only). Condition: Thyroid cancer, nonmedullary, 1. Review status: no classification provided. Collection method: in vitro. Allele origin: not applicable. Functional consequence: cryptic splice site. Not counted in ClinVar's aggregate classification.

Dr. Peter K. Rogan Lab, Western University
No classification provided (evidence only). Condition: Thyroid cancer, nonmedullary, 1. Review status: no classification provided. Collection method: in vitro. Allele origin: not applicable. Functional consequence: retained intron. Not counted in ClinVar's aggregate classification.

Dr. Peter K. Rogan Lab, Western University
No classification provided (evidence only). Condition: Thyroid cancer, nonmedullary, 1. Review status: no classification provided. Collection method: in vitro. Allele origin: not applicable. Functional consequence: cryptic splice site. Not counted in ClinVar's aggregate classification.

Dr. Peter K. Rogan Lab, Western University
No classification provided (evidence only). Condition: Thyroid cancer, nonmedullary, 1. Review status: no classification provided. Collection method: in vitro. Allele origin: not applicable. Functional consequence: cryptic splice site. Not counted in ClinVar's aggregate classification.

Dr. Peter K. Rogan Lab, Western University
No classification provided (evidence only). Condition: Thyroid cancer, nonmedullary, 1. Review status: no classification provided. Collection method: in vitro. Allele origin: not applicable. Functional consequence: cryptic splice site. Not counted in ClinVar's aggregate classification.

Dr. Peter K. Rogan Lab, Western University
No classification provided (evidence only). Condition: Thyroid cancer, nonmedullary, 1. Review status: no classification provided. Collection method: in vitro. Allele origin: not applicable. Functional consequence: retained intron. Not counted in ClinVar's aggregate classification.

Dr. Peter K. Rogan Lab, Western University
No classification provided (evidence only). Condition: Thyroid cancer, nonmedullary, 1. Review status: no classification provided. Collection method: in vitro. Allele origin: not applicable. Functional consequence: cryptic splice site. Not counted in ClinVar's aggregate classification.